The following is an entry in ClinVar:

NM_177438.3(DICER1):c.887C>G (p.Thr296Ser)

Gene: DICER1 (dicer 1, ribonuclease III; minus strand). Cytogenetic location: 14q32.13.
Variant type: single nucleotide variant.
Coding change: c.887C>G on transcript NM_177438.3 (MANE Select); coding-DNA position 887, C replaced by G.
Protein change: p.Thr296Ser; replaces threonine 296 with serine.
Molecular consequence: missense variant.
Genome position (GRCh38, 1-based): chr14:95,126,596, G>C on the plus strand (C>G on the coding strand, the complement: DICER1 is on the minus strand). VCF-style: chr14-95126596-G-C. GRCh37 (hg19) VCF-style: chr14-95592933-G-C.
Other names: c.887C>G, p.Thr296Ser (NM_001291628.2, NM_030621.4, NM_001195573.1 and 1 more transcripts); short protein forms T296S.
Identifiers: ClinVar variation 652715 (VCV000652715.11), dbSNP rs1595447510, ClinGen allele CA390887450.

ClinVar aggregate classification (germline): Uncertain significance. Review status: criteria provided, multiple submitters, no conflicts (2 of 4 stars). 2 submissions from 2 submitters: Uncertain significance (2). Last evaluated 2025-04-05.

Conditions:
DICER1-related tumor predisposition. Also called: DICER1-related pleuropulmonary blastoma cancer predisposition syndrome; DICER1 syndrome. Identifiers: Orphanet 284343, MedGen C3839822, MONDO:0100216.
Hereditary cancer-predisposing syndrome. Also called: Hereditary Cancer Syndrome; Tumor predisposition; Neoplastic Syndromes, Hereditary; Hereditary neoplastic syndrome. Identifiers: Orphanet 140162, MedGen C0027672, MeSH D009386, MONDO:0015356.

Submissions (2):

Ambry Genetics
Classification: Uncertain significance for Hereditary cancer-predisposing syndrome. Last evaluated: 2025-04-05. Review status: criteria provided, single submitter. Criteria: Ambry Variant Classification Scheme 2023. Collection method: clinical testing. Allele origin: germline.
Comment: The p.T296S variant (also known as c.887C>G), located in coding exon 6 of the DICER1 gene, results from a C to G substitution at nucleotide position 887. The threonine at codon 296 is replaced by serine, an amino acid with similar properties. This amino acid position is conserved. In addition, this alteration is predicted to be tolerated by in silico analysis. Based on the available evidence, the clinical significance of this variant remains unclear.

Labcorp Genetics (formerly Invitae), Labcorp
Classification: Uncertain significance for DICER1-related tumor predisposition. Last evaluated: 2018-12-08. Review status: criteria provided, single submitter. Criteria: Invitae Variant Classification Sherloc (09022015). Collection method: clinical testing. Allele origin: germline.
Comment: In summary, the available evidence is currently insufficient to determine the role of this variant in disease. Therefore, it has been classified as a Variant of Uncertain Significance. Algorithms developed to predict the effect of missense changes on protein structure and function (SIFT, PolyPhen-2, Align-GVGD) all suggest that this variant is likely to be tolerated, but these predictions have not been confirmed by published functional studies and their clinical significance is uncertain. This variant has not been reported in the literature in individuals with DICER1-related conditions. This variant is not present in population databases (ExAC no frequency). This sequence change replaces threonine with serine at codon 296 of the DICER1 protein (p.Thr296Ser). The threonine residue is highly conserved and there is a small physicochemical difference between threonine and serine.